The following is an entry in ClinVar:

ClinVar aggregate classification (germline): Uncertain significance. Review status: criteria provided, multiple submitters, no conflicts (2 of 4 stars). 4 submissions from 4 submitters: Uncertain significance (4). Last evaluated 2025-12-16.

Conditions:
Familial adenomatous polyposis 1 (FAP1). Also called: POLYPOSIS, ADENOMATOUS INTESTINAL; FAMILIAL ADENOMATOUS POLYPOSIS 1, ATTENUATED. Identifiers: MedGen C2713442, MONDO:0021056, OMIM 175100. Disease mechanism: loss of function.
Hereditary cancer-predisposing syndrome. Also called: Hereditary Cancer Syndrome; Neoplastic Syndromes, Hereditary; Tumor predisposition; Hereditary neoplastic syndrome. Identifiers: Orphanet 140162, MedGen C0027672, MeSH D009386, MONDO:0015356.

Allele frequency attached by ClinVar (database versions not stated): ExAC 0.00001.
gnomAD v4.1: 5 of 1,613,820 alleles (0.00031%); highest among the groups gnomAD compares: South Asian, 0.0055%; no homozygotes.

Submissions (4):

Labcorp Genetics (formerly Invitae), Labcorp
Classification: Uncertain significance for Familial adenomatous polyposis 1. Last evaluated: 2025-12-16. Review status: criteria provided, single submitter. Criteria: Invitae Variant Classification Sherloc (09022015). Collection method: clinical testing. Allele origin: germline.
Comment: This sequence change replaces proline, which is neutral and non-polar, with serine, which is neutral and polar, at codon 1992 of the APC protein (p.Pro1992Ser). This variant is present in population databases (rs749833343, gnomAD 0.003%). This variant has not been reported in the literature in individuals affected with APC-related conditions. ClinVar contains an entry for this variant (Variation ID: 489474). Invitae Evidence Modeling of protein sequence and biophysical properties (such as structural, functional, and spatial information, amino acid conservation, physicochemical variation, residue mobility, and thermodynamic stability) indicates that this missense variant is not expected to disrupt APC protein function with a negative predictive value of 95%. In summary, the available evidence is currently insufficient to determine the role of this variant in disease. Therefore, it has been classified as a Variant of Uncertain Significance.

Ambry Genetics
Classification: Uncertain significance for Hereditary cancer-predisposing syndrome. Last evaluated: 2025-09-19. Review status: criteria provided, single submitter. Criteria: Ambry Variant Classification Scheme 2023. Collection method: clinical testing. Allele origin: germline.
Comment: The p.P1992S variant (also known as c.5974C>T), located in coding exon 15 of the APC gene, results from a C to T substitution at nucleotide position 5974. The proline at codon 1992 is replaced by serine, an amino acid with similar properties. This amino acid position is not well conserved in available vertebrate species. In addition, in silico predictors for this gene do not accurately predict pathogenicity. Since supporting evidence is limited at this time, the clinical significance of this alteration remains unclear.

Color Diagnostics, LLC DBA Color Health
Classification: Uncertain significance for Hereditary cancer-predisposing syndrome. Last evaluated: 2024-01-04. Review status: criteria provided, single submitter. Criteria: ACMG Guidelines, 2015. Collection method: clinical testing. Allele origin: germline.
Comment: This missense variant replaces proline with serine at codon 1992 of the APC protein. Computational prediction suggests that this variant may not impact protein structure and function (internally defined REVEL score threshold <= 0.5, PMID: 27666373). To our knowledge, functional studies have not been reported for this variant. This variant has been reported in an individual affected with an unspecified cancer (PMID: 28873162). This variant has been identified in 1/250126 chromosomes in the general population by the Genome Aggregation Database (gnomAD). The available evidence is insufficient to determine the role of this variant in disease conclusively. Therefore, this variant is classified as a Variant of Uncertain Significance.

Baylor Genetics
Classification: Uncertain significance for Familial adenomatous polyposis 1. Last evaluated: 2023-08-13. Review status: criteria provided, single submitter. Criteria: ACMG Guidelines, 2015. Collection method: clinical testing. Allele origin: unknown.

Literature cited by the submitters: PubMed 28873162 (cited by Color Diagnostics, LLC DBA Color Health).

NM_000038.6(APC):c.5974C>T (p.Pro1992Ser)

Gene: APC (APC regulator of Wnt signaling pathway; plus strand). Cytogenetic location: 5q22.2.
Variant type: single nucleotide variant.
Coding change: c.5974C>T on transcript NM_000038.6 (MANE Select); coding-DNA position 5974, C replaced by T.
Protein change: p.Pro1992Ser; replaces proline 1992 with serine.
Molecular consequence: missense variant.
Genome position (GRCh38, 1-based): chr5:112,841,568, C>T. VCF-style: chr5-112841568-C-T. GRCh37 (hg19) VCF-style: chr5-112177265-C-T.
Other names: c.5974C>T, p.Pro1992Ser (NM_001127510.3, NM_001354895.2); c.5920C>T, p.Pro1974Ser (NM_001127511.3); c.6028C>T, p.Pro2010Ser (NM_001354896.2); c.6004C>T, p.Pro2002Ser (NM_001354897.2); c.5899C>T, p.Pro1967Ser (NM_001354898.2); c.5890C>T, p.Pro1964Ser (NM_001354899.2); c.5851C>T, p.Pro1951Ser (NM_001354900.2); c.5797C>T, p.Pro1933Ser (NM_001354901.2); and 5 more; short protein forms P1974S, P1992S, P1901S, P1967S, P1709S, P1832S, P1866S, P1933S.
Identifiers: ClinVar variation 489474 (VCV000489474.19), dbSNP rs749833343, ClinGen allele CA043556.
Genomic context (GRCh38, chr5:112,841,568, plus strand): 5'-CTCAGTGACATTGACCAAGAAAACAACAATAAAGAAAATGAACCTATCAAAGAGACTGAG[C>T]CCCCTGACTCACAGGGAGAACCAAGTAAACCTCAAGCATCAGGCTATGCTCCTAAATCAT-3'
Protein context (NP_000029.2, residues 1982-2002): KENEPIKETE[Pro1992Ser]PDSQGEPSKP